The following is an entry in ClinVar:

ClinVar aggregate classification (germline): Uncertain significance (1 of 4 stars; one submission).

Conditions:
Paroxysmal nonkinesigenic dyskinesia. Also called: Paroxysmal non-kinesigenic dyskinesia. Identifiers: Orphanet 98810, MedGen C1869117, MONDO:0700088.

Submission:

Labcorp Genetics (formerly Invitae), Labcorp
Classification: Uncertain significance for Paroxysmal nonkinesigenic dyskinesia. Last evaluated: 2021-12-29. Review status: criteria provided, single submitter. Criteria: Invitae Variant Classification Sherloc (09022015). Collection method: clinical testing. Allele origin: germline.
Comment: This sequence change creates a premature translational stop signal (p.Ile124Serfs*149) in the PNKD gene. It is expected to result in an absent or disrupted protein product. However, the current clinical and genetic evidence is not sufficient to establish whether loss-of-function variants in PNKD cause disease. In summary, the available evidence is currently insufficient to determine the role of this variant in disease. Therefore, it has been classified as a Variant of Uncertain Significance. This variant has not been reported in the literature in individuals affected with PNKD-related conditions. This variant is not present in population databases (gnomAD no frequency).

NM_015488.5(PNKD):c.369del (p.Ile124fs)

Genes: CATIP-AS2 (CATIP antisense RNA 2; minus strand), PNKD (PNKD metallo-beta-lactamase domain containing; plus strand). Cytogenetic location: 2q35.
Variant type: Deletion.
Coding change: c.369del on transcript NM_015488.5 (MANE Select); coding-DNA position 369, one base deleted (C; older notation c.369delC).
Protein change: p.Ile124fs; shifts the reading frame from isoleucine 124.
Molecular consequence: frameshift variant.
Genome position (GRCh38, 1-based): chr2:218,340,045, C deleted; the last of 3 consecutive C bases (chr2:218,340,043-218,340,045); deleting any one gives the same sequence. VCF-style (leftmost placement, unchanged base first): chr2-218340042-TC-T. GRCh37 (hg19) VCF-style: chr2-219204765-TC-T.
Other names: c.297delC, p.Ile100Serfs (NM_022572.5); short protein forms I124fs, I100fs.
Identifiers: ClinVar variation 2065535 (VCV002065535.4), dbSNP rs2469462842, ClinGen allele CA2580065691.